The following is an entry in ClinVar:

NM_024548.4(CEP97):c.2141T>C (p.Leu714Ser)

Gene: CEP97 (centrosomal protein 97; plus strand). Cytogenetic location: 3q12.3.
Variant type: single nucleotide variant.
Coding change: c.2141T>C on transcript NM_024548.4 (MANE Select); coding-DNA position 2141, T replaced by C.
Protein change: p.Leu714Ser; replaces leucine 714 with serine.
Molecular consequence: missense variant.
Genome position (GRCh38, 1-based): chr3:101,765,094, T>C. VCF-style: chr3-101765094-T-C. GRCh37 (hg19) VCF-style: chr3-101483938-T-C.
Other names: c.1964T>C, p.Leu655Ser (NM_001303401.2); c.2039T>C, p.Leu680Ser (NM_001410784.1); c.1862T>C, p.Leu621Ser (NM_001410785.1); short protein forms L621S, L680S, L714S, L655S.
Identifiers: ClinVar variation 2968593 (VCV002968593.3), dbSNP rs1371066295, ClinGen allele CA353881436.

ClinVar aggregate classification (germline): Uncertain significance (1 of 4 stars; one submission).

Allele frequency attached by ClinVar (database versions not stated): gnomAD exomes 0.00001.
gnomAD v4.1: 18 of 1,614,214 alleles (0.0011%); highest among the groups gnomAD compares: Middle Eastern, 0.016%; no homozygotes.

Submission:

Labcorp Genetics (formerly Invitae), Labcorp
Classification: Uncertain significance. Last evaluated: 2023-05-19. Review status: criteria provided, single submitter. Criteria: Invitae Variant Classification Sherloc (09022015). Collection method: clinical testing. Allele origin: germline.
Comment: In summary, the available evidence is currently insufficient to determine the role of this variant in disease. Therefore, it has been classified as a Variant of Uncertain Significance. Advanced modeling of protein sequence and biophysical properties (such as structural, functional, and spatial information, amino acid conservation, physicochemical variation, residue mobility, and thermodynamic stability) performed at Invitae indicates that this missense variant is not expected to disrupt CEP97 protein function. This variant has not been reported in the literature in individuals affected with CEP97-related conditions. This variant is present in population databases (no rsID available, gnomAD 0.002%). This sequence change replaces leucine, which is neutral and non-polar, with serine, which is neutral and polar, at codon 714 of the CEP97 protein (p.Leu714Ser).